The following is an entry in ClinVar:

NM_001165963.4(SCN1A):c.2678T>A (p.Leu893Ter)

Gene: SCN1A (sodium voltage-gated channel alpha subunit 1; minus strand). Cytogenetic location: 2q24.3.
Variant type: single nucleotide variant.
Coding change: c.2678T>A on transcript NM_001165963.4 (MANE Select); coding-DNA position 2678, T replaced by A.
Protein change: p.Leu893Ter; replaces leucine 893 with a stop codon.
Molecular consequence: nonsense. On other transcripts: non-coding transcript variant (1).
Genome position (GRCh38, 1-based): chr2:166,038,044, A>T on the plus strand (T>A on the coding strand, the complement: SCN1A is on the minus strand). VCF-style: chr2-166038044-A-T. GRCh37 (hg19) VCF-style: chr2-166894554-A-T.
Other names: c.2594T>A, p.Leu865Ter (NM_001165964.3, NM_001353957.2, NM_001353958.2); c.2678T>A, p.Leu893Ter (NM_001202435.3, NM_001353948.2); c.2645T>A, p.Leu882Ter (NM_001353949.2, NM_001353950.2, NM_001353951.2 and 2 more transcripts); c.2642T>A, p.Leu881Ter (NM_001353954.2, NM_001353955.2); c.2591T>A, p.Leu864Ter (NM_001353960.2); c.236T>A, p.Leu79Ter (NM_001353961.2); short protein forms L882*, L893*, L79*, L865*, L864*, L881*.
Identifiers: ClinVar variation 189984 (VCV000189984.1), dbSNP rs794726815, ClinGen allele CA303479.

ClinVar aggregate classification (germline): Pathogenic (1 of 4 stars; one submission).

Conditions:
Severe myoclonic epilepsy in infancy (DRVT). Also called: Epileptic encephalopathy, early infantile, 6 (Dravet syndrome); SEVERE MYOCLONIC EPILEPSY OF INFANCY; DEVELOPMENTAL AND EPILEPTIC ENCEPHALOPATHY 6A; Severe Myoclonic Epilepsy in Infancy (SMEI); Dravet syndrome. Identifiers: Orphanet 33069, MedGen C0751122, MONDO:0100135, OMIM 607208.

Submission:

Center for Bioinformatics, Peking University
Classification: Pathogenic for Dravet syndrome. Last evaluated: 2014-12-20. Review status: criteria provided, single submitter. Criteria: Xu et al. (Hum Mutat. 2015). Collection method: research. Allele origin: maternal. Affected: yes. Observed: 2 variant alleles. Study: University Clinical Cooperation “985 Project” PKU-2014-1-1.
Comment: Dravet syndrome (DS) probands were recruited from the outpatient and inpatient child neurology units of Peking University First Hospital from 2005 till present. The study was approved by the Ethics Committee of Peking University First Hospital and the Institutional Review Board at Peking University. Participants or their parents provided written informed consent before enrollment. We collected a total of 267 mutations from 255 families with probands diagnosed with DS in China. All probands fulfilled the clinical diagnostic criteria.